The following is an entry in ClinVar:

NM_000017.4(ACADS):c.617A>C (p.Gln206Pro)

Gene: ACADS (acyl-CoA dehydrogenase short chain; plus strand). Cytogenetic location: 12q24.31.
Variant type: single nucleotide variant.
Coding change: c.617A>C on transcript NM_000017.4 (MANE Select); coding-DNA position 617, A replaced by C.
Protein change: p.Gln206Pro; replaces glutamine 206 with proline.
Molecular consequence: missense variant. On other transcripts: intron variant (1).
Genome position (GRCh38, 1-based): chr12:120,737,981, A>C. VCF-style: chr12-120737981-A-C. GRCh37 (hg19) VCF-style: chr12-121175784-A-C.
Other names: c.473-68A>C (NM_001302554.2); short protein forms Q206P.
Identifiers: ClinVar variation 3611186 (VCV003611186.2).

ClinVar aggregate classification (germline): Uncertain significance (1 of 4 stars; one submission).

Conditions:
Deficiency of butyryl-CoA dehydrogenase (ACADSD). Also called: ACYL-CoA DEHYDROGENASE, SHORT-CHAIN, DEFICIENCY OF; SCAD Deficiency; Short-Chain Acyl-CoA Dehydrogenase Deficiency; SCAD DEFICIENCY, MILD; ACADS DEFICIENCY; SCADH DEFICIENCY. Identifiers: Orphanet 26792, MedGen C0342783, MONDO:0008722, OMIM 201470. Disease mechanism: May be benign.

gnomAD v4.1: 1 of 1,613,904 alleles (0.000062%); highest among the groups gnomAD compares: Non-Finnish European, 0.000085%; no homozygotes.

Submission:

Labcorp Genetics (formerly Invitae), Labcorp
Classification: Uncertain significance for Deficiency of butyryl-CoA dehydrogenase. Last evaluated: 2024-10-08. Review status: criteria provided, single submitter. Criteria: Invitae Variant Classification Sherloc (09022015). Collection method: clinical testing. Allele origin: germline.
Comment: This sequence change replaces glutamine, which is neutral and polar, with proline, which is neutral and non-polar, at codon 206 of the ACADS protein (p.Gln206Pro). This variant is not present in population databases (gnomAD no frequency). This variant has not been reported in the literature in individuals affected with ACADS-related conditions. Invitae Evidence Modeling of protein sequence and biophysical properties (such as structural, functional, and spatial information, amino acid conservation, physicochemical variation, residue mobility, and thermodynamic stability) indicates that this missense variant is expected to disrupt ACADS protein function with a positive predictive value of 95%. In summary, the available evidence is currently insufficient to determine the role of this variant in disease. Therefore, it has been classified as a Variant of Uncertain Significance.